The following is an entry in ClinVar:

NM_001267550.2(TTN):c.10114+5G>T

Gene: TTN (titin; minus strand). Cytogenetic location: 2q31.2.
Variant type: single nucleotide variant.
Coding change: c.10114+5G>T on transcript NM_001267550.2 (MANE Select); 5 bases into the intron after coding-DNA position 10114, G replaced by T.
Molecular consequence: intron variant.
Genome position (GRCh38, 1-based): chr2:178,764,172, C>A on the plus strand (G>T on the coding strand, the complement: TTN is on the minus strand). VCF-style: chr2-178764172-C-A. GRCh37 (hg19) VCF-style: chr2-179628899-C-A.
Other names: c.10114+5G>T (NM_133378.4, NM_001256850.1, NM_133379.5); c.9976+5G>T (NM_003319.4, NM_133437.4, NM_133432.3).
Identifiers: ClinVar variation 1037044 (VCV001037044.11), dbSNP rs115985443, ClinGen allele CA1310612400.

ClinVar aggregate classification (germline): Uncertain significance (1 of 4 stars; one submission).

Conditions:
Dilated cardiomyopathy 1G (CMD1G). Identifiers: Orphanet 154, MedGen C1858763, MONDO:0011400, OMIM 604145.
Autosomal recessive limb-girdle muscular dystrophy type 2J (LGMDR10). Also called: Limb-girdle muscular dystrophy, type 2J; MUSCULAR DYSTROPHY, LIMB-GIRDLE, AUTOSOMAL RECESSIVE 10. Identifiers: Orphanet 140922, MedGen C1837342, MONDO:0012127, OMIM 608807.

Submission:

Labcorp Genetics (formerly Invitae), Labcorp
Classification: Uncertain significance for Dilated cardiomyopathy 1G; Autosomal recessive limb-girdle muscular dystrophy type 2J. Last evaluated: 2020-01-31. Review status: criteria provided, single submitter. Criteria: Invitae Variant Classification Sherloc (09022015). Collection method: clinical testing. Allele origin: germline.
Comment: This variant is not present in population databases (ExAC no frequency). This sequence change falls in intron 43 of the TTN gene. It does not directly change the encoded amino acid sequence of the TTN protein, but it affects a nucleotide within the consensus splice site of the intron. This variant has not been reported in the literature in individuals with TTN-related conditions. This variant is located in the I band of TTN (PMID: 25589632). Variants in this region may be relevant for neuromuscular disorders, but have not been definitively shown to cause cardiomyopathy (PMID: 23975875). In summary, the available evidence is currently insufficient to determine the role of this variant in disease. Therefore, it has been classified as a Variant of Uncertain Significance. Nucleotide substitutions within the consensus splice site are a relatively common cause of aberrant splicing (PMID: 17576681, 9536098). Algorithms developed to predict the effect of sequence changes on RNA splicing suggest that this variant may disrupt the consensus splice site, but this prediction has not been confirmed by published transcriptional studies.

Literature cited by the submitters: PubMed 25589632; PubMed 23975875; PubMed 17576681; PubMed 9536098.